The following is an entry in ClinVar:

NM_138927.4(SON):c.2197T>C (p.Ser733Pro)

Gene: SON (SON DNA and RNA binding protein; plus strand). Cytogenetic location: 21q22.11.
Variant type: single nucleotide variant.
Coding change: c.2197T>C on transcript NM_138927.4 (MANE Select); coding-DNA position 2197, T replaced by C.
Protein change: p.Ser733Pro; replaces serine 733 with proline.
Molecular consequence: missense variant. On other transcripts: non-coding transcript variant (1), intron variant (1).
Genome position (GRCh38, 1-based): chr21:33,551,428, T>C. VCF-style: chr21-33551428-T-C. GRCh37 (hg19) VCF-style: chr21-34923734-T-C.
Other names: c.2197T>C, p.Ser733Pro (NM_001291411.2, NM_001412133.1, NM_032195.3 and 2 more transcripts); c.244+5049T>C (NM_001291412.3); short protein forms S733P.
Identifiers: ClinVar variation 2983642 (VCV002983642.3), dbSNP rs2517360990, ClinGen allele CA410157284.

ClinVar aggregate classification (germline): Uncertain significance (1 of 4 stars; one submission).

Submission:

Labcorp Genetics (formerly Invitae), Labcorp
Classification: Uncertain significance. Last evaluated: 2025-11-23. Review status: criteria provided, single submitter. Criteria: Invitae Variant Classification Sherloc (09022015). Collection method: clinical testing. Allele origin: germline.
Comment: This sequence change replaces serine, which is neutral and polar, with proline, which is neutral and non-polar, at codon 733 of the SON protein (p.Ser733Pro). This variant is not present in population databases (gnomAD no frequency). This variant has not been reported in the literature in individuals affected with SON-related conditions. ClinVar contains an entry for this variant (Variation ID: 2983642). An algorithm developed to predict the effect of missense changes on protein structure and function (PolyPhen-2) suggests that this variant is likely to be disruptive. In summary, the available evidence is currently insufficient to determine the role of this variant in disease. Therefore, it has been classified as a Variant of Uncertain Significance.